The following is an entry in ClinVar:

ClinVar aggregate classification (germline): Benign. Review status: criteria provided, multiple submitters, no conflicts (2 of 4 stars). 3 submissions from 3 submitters: Benign (2). 1 of the submissions does not count toward it. Last evaluated 2019-12-31.

Conditions:
ATP11C-related disorder. Also called: ATP11C-related condition.

Allele frequency attached by ClinVar (database versions not stated): gnomAD 0.02587 and 0.02756; 1000 Genomes Project 0.02596; ESP Exome Variant Server 0.03332; gnomAD exomes 0.00754 and 0.00268; ExAC 0.00762; 1000 Genomes Project 30x 0.02810; TOPMed 0.02966.

Submissions (3):

Labcorp Genetics (formerly Invitae), Labcorp
Classification: Benign. Last evaluated: 2019-12-31. Review status: criteria provided, single submitter. Criteria: Invitae Variant Classification Sherloc (09022015). Collection method: clinical testing. Allele origin: germline.

Breakthrough Genomics
Classification: Benign. Review status: criteria provided, single submitter. Criteria: ACMG Guidelines, 2015. Collection method: not provided. Allele origin: germline. Inheritance: X-linked inheritance. Affected: yes.

PreventionGenetics, part of Exact Sciences
Classification: Benign for ATP11C-related condition. Last evaluated: 2019-05-23. Review status: no assertion criteria provided. Collection method: clinical testing. Allele origin: germline. Not counted in ClinVar's aggregate classification.
Comment: This variant is classified as benign based on ACMG/AMP sequence variant interpretation guidelines (Richards et al. 2015 PMID: 25741868, with internal and published modifications).

NM_001353812.2(ATP11C):c.2905G>A (p.Val969Met)

Gene: ATP11C (ATPase phospholipid transporting 11C (ATP11C blood group); minus strand). Cytogenetic location: Xq27.1.
Variant type: single nucleotide variant.
Coding change: c.2905G>A on transcript NM_001353812.2 (MANE Select); coding-DNA position 2905, G replaced by A.
Protein change: p.Val969Met; replaces valine 969 with methionine.
Molecular consequence: missense variant.
Genome position (GRCh38, 1-based): chrX:139,745,781, C>T on the plus strand (G>A on the coding strand, the complement: ATP11C is on the minus strand). VCF-style: chrX-139745781-C-T. GRCh37 (hg19) VCF-style: chrX-138827940-C-T.
Other names: c.2914G>A, p.Val972Met (NM_001010986.3, NM_173694.5); c.2905G>A, p.Val969Met (NM_001353810.2, NM_001353811.2); c.2914G>A (NM_173694.4); short protein forms V969M, V972M.
Identifiers: ClinVar variation 783916 (VCV000783916.7), dbSNP rs55724992, ClinGen allele CA10530730.
Genomic context (GRCh38, chrX:139,745,781, plus strand): 5'-CCTTTCCATTTTCTTCTAGGGATGCAGTCTGAAAAAGAAAGTAAGTCCCAAAGAAGAACA[C>T]TGTCCCTTCAAAGGCAGCCAGAAATGTCCAATATAAGAAGGGGCCCAACTGTAGCATGGC-3'
Protein context (NP_001340741.2, residues 959-979): WTFLAAFEGT[Val969Met]FFFGTYFLFQ